The following is an entry in ClinVar:

NM_015274.3(MAN2B2):c.984del (p.Phe329fs)

Gene: MAN2B2 (mannosidase alpha class 2B member 2; plus strand). Cytogenetic location: 4p16.1.
Variant type: Deletion.
Coding change: c.984del on transcript NM_015274.3 (MANE Select); coding-DNA position 984, one base deleted (C; older notation c.984delC).
Protein change: p.Phe329fs; shifts the reading frame from phenylalanine 329.
Molecular consequence: frameshift variant.
Genome position (GRCh38, 1-based): chr4:6,594,659, C deleted. VCF-style (leftmost placement, unchanged base first): chr4-6594658-AC-A. GRCh37 (hg19) VCF-style: chr4-6596385-AC-A.
Other names: c.831del, p.Phe278fs (NM_001292038.2); short protein forms F278fs, F329fs.
Identifiers: ClinVar variation 3051657 (VCV003051657.3), dbSNP rs3216941, ClinGen allele CA2840766.

ClinVar aggregate classification (germline): Uncertain significance. Review status: criteria provided, single submitter (1 of 4 stars). 2 submissions from 2 submitters: Uncertain significance (1). 1 of the submissions does not count toward it. Last evaluated 2024-11-06.

Conditions:
MAN2B2-related disorder. Also called: MAN2B2-Related Disorders; MAN2B2-related condition.

Allele frequency attached by ClinVar (database versions not stated): gnomAD exomes 0.00029; TOPMed 0.00031; gnomAD 0.00033; ExAC 0.00037; 1000 Genomes Project 0.00140.

Submissions (2):

Blueprint Genetics
Classification: Uncertain significance. Last evaluated: 2024-11-06. Review status: criteria provided, single submitter. Criteria: ACMG Guidelines, 2015. Collection method: clinical testing. Allele origin: germline.

PreventionGenetics, part of Exact Sciences
Classification: Likely benign for MAN2B2-related condition. Last evaluated: 2023-05-23. Review status: no assertion criteria provided. Collection method: clinical testing. Allele origin: germline. Not counted in ClinVar's aggregate classification.
Comment: This variant is classified as likely benign based on ACMG/AMP sequence variant interpretation guidelines (Richards et al. 2015 PMID: 25741868, with internal and published modifications).